The following is an entry in ClinVar:

ClinVar aggregate classification (germline): Uncertain significance. Review status: criteria provided, multiple submitters, no conflicts (2 of 4 stars). 3 submissions from 3 submitters: Uncertain significance (3). Last evaluated 2025-09-25.

Conditions:
Inborn genetic diseases. Identifiers: MedGen C0950123, MeSH D030342.

gnomAD v4.1: 19 of 1,613,000 alleles (0.0012%); highest among the groups gnomAD compares: Non-Finnish European, 0.0016%; no homozygotes.

Submissions (3):

Ambry Genetics
Classification: Uncertain significance for Inborn genetic diseases. Last evaluated: 2025-09-25. Review status: criteria provided, single submitter. Criteria: Ambry Variant Classification Scheme 2023. Collection method: clinical testing. Allele origin: germline.

Women's Health and Genetics/Laboratory Corporation of America, LabCorp
Classification: Uncertain significance. Last evaluated: 2023-09-11. Review status: criteria provided, single submitter. Criteria: LabCorp Variant Classification Summary - May 2015. Collection method: clinical testing. Allele origin: germline.
Comment: Variant summary: ASNS c.751A>G (p.Arg251Gly) results in a non-conservative amino acid change located in the asparagine synthase domain (IPR001962) of the encoded protein sequence. Four of five in-silico tools predict a damaging effect of the variant on protein function. The variant was absent in 249586 control chromosomes (gnomAD). The available data on variant occurrences in the general population are insufficient to allow any conclusion about variant significance. To our knowledge, no occurrence of c.751A>G in individuals affected with Asparagine Synthetase Deficiency and no experimental evidence demonstrating its impact on protein function have been reported. One submitter has cited a clinical-significance assessment for this variant to ClinVar after 2014 and has classified the variant as uncertain significance. Based on the evidence outlined above, the variant was classified as uncertain significance.

Labcorp Genetics (formerly Invitae), Labcorp
Classification: Uncertain significance. Last evaluated: 2022-06-04. Review status: criteria provided, single submitter. Criteria: Invitae Variant Classification Sherloc (09022015). Collection method: clinical testing. Allele origin: germline.
Comment: This sequence change replaces arginine, which is basic and polar, with glycine, which is neutral and non-polar, at codon 251 of the ASNS protein (p.Arg251Gly). This variant is not present in population databases (gnomAD no frequency). This variant has not been reported in the literature in individuals affected with ASNS-related conditions. Advanced modeling of protein sequence and biophysical properties (such as structural, functional, and spatial information, amino acid conservation, physicochemical variation, residue mobility, and thermodynamic stability) performed at Invitae indicates that this missense variant is expected to disrupt ASNS protein function. In summary, the available evidence is currently insufficient to determine the role of this variant in disease. Therefore, it has been classified as a Variant of Uncertain Significance.

NM_001673.5(ASNS):c.751A>G (p.Arg251Gly)

Genes: ASNS (asparagine synthetase (glutamine-hydrolyzing); minus strand), CZ1P-ASNS (CZ1P-ASNS readthrough; minus strand). Cytogenetic location: 7q21.3.
Variant type: single nucleotide variant.
Coding change: c.751A>G on transcript NM_001673.5 (MANE Select); coding-DNA position 751, A replaced by G.
Protein change: p.Arg251Gly; replaces arginine 251 with glycine.
Molecular consequence: missense variant. On other transcripts: non-coding transcript variant (1).
Genome position (GRCh38, 1-based): chr7:97,858,878, T>C on the plus strand (A>G on the coding strand, the complement: ASNS is on the minus strand). VCF-style: chr7-97858878-T-C. GRCh37 (hg19) VCF-style: chr7-97488190-T-C.
Other names: c.688A>G, p.Arg230Gly (NM_001178075.2); c.502A>G, p.Arg168Gly (NM_001178076.2, NM_001178077.1); c.751A>G, p.Arg251Gly (NM_001352496.2, NM_133436.3, NM_183356.4); short protein forms R251G, R230G, R168G.
Identifiers: ClinVar variation 2147795 (VCV002147795.3), dbSNP rs1451864949, ClinGen allele CA368268351.
Genomic context (GRCh38, chr7:97,858,878, plus strand): 5'-CATGAAATATAATTAGGTTTTTTTAATTGACTTCACCTGATAAAAGGCAGCCAATCCTTC[T>C]GTCTGTCATCAAACGTTTCTTTACAGCATTATTAAAAAGGATCCTGAGGTTGTTCTTCAC-3'
Protein context (NP_001664.3, residues 241-261): NAVKKRLMTD[Arg251Gly]RIGCLLSGGL